The following is an entry in ClinVar:

NM_001190918.2(THRA):c.1255G>T (p.Val419Phe)

Genes: NR1D1 (nuclear receptor subfamily 1 group D member 1; minus strand), THRA (thyroid hormone receptor alpha; plus strand). Cytogenetic location: 17q21.1.
Variant type: single nucleotide variant.
Coding change: c.1255G>T on transcript NM_001190918.2; coding-DNA position 1255, G replaced by T.
Protein change: p.Val419Phe; replaces valine 419 with phenylalanine.
Molecular consequence: missense variant.
Genome position (GRCh38, 1-based): chr17:40,093,281, G>T. VCF-style: chr17-40093281-G-T. GRCh37 (hg19) VCF-style: chr17-38249534-G-T.
Other names: c.1372G>T, p.Val458Phe (NM_001190919.2, NM_003250.6); c.1647C>A, p.Asp549Glu (NM_021724.5); short protein forms D549E, V419F, V458F.
Identifiers: ClinVar variation 4883460 (VCV004883460.2).

ClinVar aggregate classification (germline): Uncertain significance (1 of 4 stars; one submission).

Submission:

Dasa
Classification: Uncertain significance. Last evaluated: 2024-11-27. Review status: criteria provided, single submitter. Criteria: DASA Assertion Criteria. Collection method: clinical testing. Allele origin: germline.
Comment: NM_001190918.2(THRA):c.1255G>T (p.Val419Phe) is a missense variant that results in the substitution of valine with phenylalanine. This variant is absent from population databases. Computational prediction algorithms are consistent with a deleterious effect. The currently available literature and clinical evidence are not sufficient to establish a definitive association between this variant and the reported condition. Therefore, this variant is classified as a variant of uncertain significance.